The following is an entry in ClinVar:

ClinVar aggregate classification (germline): Uncertain significance (1 of 4 stars; one submission).

Allele frequency attached by ClinVar (database versions not stated): TOPMed 0.00001.
gnomAD v4.1: 1 of 1,613,754 alleles (0.000062%); highest among the groups gnomAD compares: Admixed American, 0.0017%; no homozygotes.

Submission:

Labcorp Genetics (formerly Invitae), Labcorp
Classification: Uncertain significance. Last evaluated: 2022-11-22. Review status: criteria provided, single submitter. Criteria: Invitae Variant Classification Sherloc (09022015). Collection method: clinical testing. Allele origin: germline.
Comment: This sequence change replaces proline, which is neutral and non-polar, with alanine, which is neutral and non-polar, at codon 530 of the PIAS1 protein (p.Pro530Ala). This variant is present in population databases (no rsID available, gnomAD 0.003%). This variant has not been reported in the literature in individuals affected with PIAS1-related conditions. ClinVar contains an entry for this variant (Variation ID: 1495628). Advanced modeling of protein sequence and biophysical properties (such as structural, functional, and spatial information, amino acid conservation, physicochemical variation, residue mobility, and thermodynamic stability) performed at Invitae indicates that this missense variant is not expected to disrupt PIAS1 protein function. In summary, the available evidence is currently insufficient to determine the role of this variant in disease. Therefore, it has been classified as a Variant of Uncertain Significance.

NM_016166.3(PIAS1):c.1588C>G (p.Pro530Ala)

Gene: PIAS1 (protein inhibitor of activated STAT 1; plus strand). Cytogenetic location: 15q23.
Variant type: single nucleotide variant.
Coding change: c.1588C>G on transcript NM_016166.3 (MANE Select); coding-DNA position 1588, C replaced by G.
Protein change: p.Pro530Ala; replaces proline 530 with alanine.
Molecular consequence: missense variant.
Genome position (GRCh38, 1-based): chr15:68,181,318, C>G. VCF-style: chr15-68181318-C-G. GRCh37 (hg19) VCF-style: chr15-68473656-C-G.
Other names: c.1594C>G, p.Pro532Ala (NM_001320687.1); short protein forms P532A, P530A.
Identifiers: ClinVar variation 1495628 (VCV001495628.6), dbSNP rs749548641, ClinGen allele CA393214016.